The following is an entry in ClinVar:

ClinVar aggregate classification (germline): Uncertain significance (1 of 4 stars; one submission).

Conditions:
Cardiovascular phenotype. Identifiers: MedGen CN230736.

Submission:

Ambry Genetics
Classification: Uncertain significance for Cardiovascular phenotype. Last evaluated: 2026-06-27. Review status: criteria provided, single submitter. Criteria: Ambry Variant Classification Scheme 2023. Collection method: clinical testing. Allele origin: germline.
Comment: The p.T1148A variant (also known as c.3442A>G), located in coding exon 6 of the ALPK3 gene, results from an A to G substitution at nucleotide position 3442. The threonine at codon 1148 is replaced by alanine, an amino acid with similar properties. This amino acid position is conserved. In addition, this alteration is predicted to be tolerated by in silico analysis. Based on the available evidence, the clinical significance of this variant remains unclear.

NM_020778.5(ALPK3):c.2836A>G (p.Thr946Ala)

Gene: ALPK3 (alpha kinase 3; plus strand). Cytogenetic location: 15q25.3.
Variant type: single nucleotide variant.
Coding change: c.2836A>G on transcript NM_020778.5 (MANE Select); coding-DNA position 2836, A replaced by G.
Protein change: p.Thr946Ala; replaces threonine 946 with alanine.
Molecular consequence: missense variant.
Genome position (GRCh38, 1-based): chr15:84,857,574, A>G. VCF-style: chr15-84857574-A-G. GRCh37 (hg19) VCF-style: chr15-85400805-A-G.
Other names: short protein forms T946A.
Identifiers: ClinVar variation 5036427 (VCV005036427.1).
Genomic context (GRCh38, chr15:84,857,574, plus strand): 5'-GAAACCATGGCCACCAGCAGTGAGGGGGCCTGCGCCCAGGTACCAGATGTGGAGGGGCGG[A>G]CCCCAGGTCCCCGGAGCTGTGACCCTGGCCTCATAGATTCCCTGAAGAACTACCTGCTTC-3'
Protein context (NP_065829.4, residues 936-956): CAQVPDVEGR[Thr946Ala]PGPRSCDPGL